The following is an entry in ClinVar:

NM_004525.3(LRP2):c.3532T>A (p.Ser1178Thr)

Gene: LRP2 (LDL receptor related protein 2; minus strand). Cytogenetic location: 2q31.1.
Variant type: single nucleotide variant.
Coding change: c.3532T>A on transcript NM_004525.3 (MANE Select); coding-DNA position 3532, T replaced by A.
Protein change: p.Ser1178Thr; replaces serine 1178 with threonine.
Molecular consequence: missense variant.
Genome position (GRCh38, 1-based): chr2:169,243,421, A>T on the plus strand (T>A on the coding strand, the complement: LRP2 is on the minus strand). VCF-style: chr2-169243421-A-T. GRCh37 (hg19) VCF-style: chr2-170099931-A-T.
Other names: c.3532T>A (NM_004525.2); short protein forms S1178T.
Identifiers: ClinVar variation 1474613 (VCV001474613.5), dbSNP rs1044869509, ClinGen allele CA59918432.

ClinVar aggregate classification (germline): Uncertain significance. Review status: criteria provided, multiple submitters, no conflicts (2 of 4 stars). 2 submissions from 2 submitters: Uncertain significance (2). Last evaluated 2026-01-27.

Conditions:
Inborn genetic diseases. Identifiers: MedGen C0950123, MeSH D030342.

Allele frequency attached by ClinVar (database versions not stated): TOPMed below 0.00001.

Submissions (2):

Labcorp Genetics (formerly Invitae), Labcorp
Classification: Uncertain significance. Last evaluated: 2026-01-27. Review status: criteria provided, single submitter. Criteria: Invitae Variant Classification Sherloc (09022015). Collection method: clinical testing. Allele origin: germline.
Comment: This sequence change replaces serine, which is neutral and polar, with threonine, which is neutral and polar, at codon 1178 of the LRP2 protein (p.Ser1178Thr). This variant is not present in population databases (gnomAD no frequency). This variant has not been reported in the literature in individuals affected with LRP2-related conditions. ClinVar contains an entry for this variant (Variation ID: 1474613). Invitae Evidence Modeling of protein sequence and biophysical properties (such as structural, functional, and spatial information, amino acid conservation, physicochemical variation, residue mobility, and thermodynamic stability) indicates that this missense variant is expected to disrupt LRP2 protein function with a positive predictive value of 95%. In summary, the available evidence is currently insufficient to determine the role of this variant in disease. Therefore, it has been classified as a Variant of Uncertain Significance.

Ambry Genetics
Classification: Uncertain significance for Inborn genetic diseases. Last evaluated: 2025-08-10. Review status: criteria provided, single submitter. Criteria: Ambry Variant Classification Scheme 2023. Collection method: clinical testing. Allele origin: germline.